The following is an entry in ClinVar:

NM_001288705.3(CSF1R):c.1111C>T (p.Leu371=)

Gene: CSF1R (colony stimulating factor 1 receptor; minus strand). Cytogenetic location: 5q32.
Variant type: single nucleotide variant.
Coding change: c.1111C>T on transcript NM_001288705.3 (MANE Select); coding-DNA position 1111, C replaced by T.
Protein change: p.Leu371=; no amino-acid change (leucine 371 retained).
Molecular consequence: synonymous variant. On other transcripts: non-coding transcript variant (2).
Genome position (GRCh38, 1-based): chr5:150,070,543, G>A on the plus strand (C>T on the coding strand, the complement: CSF1R is on the minus strand). VCF-style: chr5-150070543-G-A. GRCh37 (hg19) VCF-style: chr5-149450106-G-A.
Other names: c.1111C>T, p.Leu371= (NM_001349736.2, NM_001375320.1, NM_005211.4); c.667C>T, p.Leu223= (NM_001375321.1).
Identifiers: ClinVar variation 352156 (VCV000352156.16), dbSNP rs556530627, ClinGen allele CA3506942.

ClinVar aggregate classification (germline): Conflicting classifications of pathogenicity. Review status: criteria provided, conflicting classifications (1 of 4 stars). 4 submissions from 4 submitters: Uncertain significance (1); Likely benign (2). 1 of the submissions does not count toward it. Last evaluated 2026-01-06.

Conditions:
CSF1R-related disorder. Also called: CSF1R-related condition. Identifiers: MedGen CN379780, MONDO:0100632.
Hereditary diffuse leukoencephalopathy with spheroids. Also called: LEUKOENCEPHALOPATHY, ADULT-ONSET, WITH AXONAL SPHEROIDS AND PIGMENTED GLIA. Identifiers: Orphanet 313808, MedGen C3711381, MONDO:0030796.

Allele frequency attached by ClinVar (database versions not stated): ExAC below 0.00001; gnomAD exomes 0.00002 and 0.00007; gnomAD 0.00004 and 0.00006; TOPMed 0.00013; 1000 Genomes Project 30x 0.00016; 1000 Genomes Project 0.00020.

Submissions (4):

Labcorp Genetics (formerly Invitae), Labcorp
Classification: Likely benign. Last evaluated: 2026-01-06. Review status: criteria provided, single submitter. Criteria: Invitae Variant Classification Sherloc (09022015). Collection method: clinical testing. Allele origin: germline.

Blueprint Genetics
Classification: Likely benign. Last evaluated: 2024-11-22. Review status: criteria provided, single submitter. Criteria: ACMG Guidelines, 2015. Collection method: clinical testing. Allele origin: germline.

Illumina Laboratory Services, Illumina
Classification: Uncertain significance for Leukoencephalopathy, diffuse hereditary, with spheroids 1. Last evaluated: 2018-01-13. Review status: criteria provided, single submitter. Criteria: ICSL Variant Classification Criteria 13 December 2019. Collection method: clinical testing. Allele origin: germline.

PreventionGenetics, part of Exact Sciences
Classification: Likely benign for CSF1R-related condition. Last evaluated: 2022-06-06. Review status: no assertion criteria provided. Collection method: clinical testing. Allele origin: germline. Not counted in ClinVar's aggregate classification.
Comment: This variant is classified as likely benign based on ACMG/AMP sequence variant interpretation guidelines (Richards et al. 2015 PMID: 25741868, with internal and published modifications).